The following is an entry in ClinVar:

NM_002691.4(POLD1):c.-1-12C>T

Gene: POLD1 (DNA polymerase delta 1, catalytic subunit; plus strand). Cytogenetic location: 19q13.33.
Variant type: single nucleotide variant.
Coding change: c.-1-12C>T on transcript NM_002691.4 (MANE Select); 12 bases into the intron before 1 bases upstream of the start codon, C replaced by T.
Molecular consequence: intron variant.
Genome position (GRCh38, 1-based): chr19:50,398,839, C>T. VCF-style: chr19-50398839-C-T. GRCh37 (hg19) VCF-style: chr19-50902096-C-T.
Other names: c.-4-9C>T (NM_001256849.1).
Identifiers: ClinVar variation 1050496 (VCV001050496.2), dbSNP rs778338383, ClinGen allele CA9595577.

ClinVar aggregate classification (germline): Uncertain significance. Review status: criteria provided, single submitter (1 of 4 stars). 2 submissions from 1 submitter: Uncertain significance (1). 1 of the submissions does not count toward it. Last evaluated 2019-09-09.

Conditions:
Familial colorectal cancer type X. Identifiers: Orphanet 440437, MedGen C3896578, MONDO:0018604.
Polymerase proofreading-related adenomatous polyposis. Also called: Polymerase proofreading associated polyposis; Polymerase proofreading–associated polyposis (PPAP). Identifiers: Orphanet 447877, MedGen C5202613, MONDO:0018653.
Carcinoma of colon (CRC). Also called: Colonic carcinoma; Colon carcinoma. Identifiers: MedGen C0699790, MONDO:0002032.

Allele frequency attached by ClinVar (database versions not stated): gnomAD exomes below 0.00001.

Submissions (2):

Department of Pathology and Laboratory Medicine, Sinai Health System
Classification: Uncertain significance for Polymerase proofreading-related adenomatous polyposis; Familial colorectal cancer type X. Last evaluated: 2019-09-09. Review status: criteria provided, single submitter. Criteria: ACMG Guidelines, 2015. Collection method: research. Allele origin: germline.

Department of Pathology and Laboratory Medicine, Sinai Health System
Classification: Uncertain significance for Carcinoma of colon. Review status: no assertion criteria provided. Collection method: clinical testing. Allele origin: unknown. Affected: yes. Study: The Canadian Open Genetics Repository (COGR). Not counted in ClinVar's aggregate classification.
Comment: The POLD1 c.-4-9C>T variant was not identified in the literature nor was it identified in the ClinVar database. The variant was identified in dbSNP (rs778338383) as â€šÃ„ÃºNAâ€šÃ„Ã¹. The variant was identified in control databases in 1 of 236,540 chromosomes at a frequency of 0.000004 (Genome Aggregation Database Feb 27, 2017). The variant was observed in the European population in 1 of 106,394 chromosomes (freq: 0.000009), but it was not observed in the African, Latino, Ashkenazi Jewish, East Asian, Finnish, Other or South Asian populations. The variant occurs outside of the splicing consensus sequence and 1 of 4 in silico or computational prediction software programs (SpliceSiteFinder, MaxEntScan, NNSPLICE, GeneSplicer) predict a greater than 10% difference in splicing; however, this information is not predictive enough to assume pathogenicity. In summary, based on the above information, the clinical significance of this variant cannot be determined with certainty at this time. This variant is classified as a variant of uncertain significance.